The following is an entry in ClinVar:

ClinVar aggregate classification (germline): Uncertain significance (1 of 4 stars; one submission).

Allele frequency attached by ClinVar (database versions not stated): gnomAD exomes below 0.00001; gnomAD 0.00001; TOPMed 0.00001.

Submission:

Labcorp Genetics (formerly Invitae), Labcorp
Classification: Uncertain significance. Last evaluated: 2023-05-08. Review status: criteria provided, single submitter. Criteria: Invitae Variant Classification Sherloc (09022015). Collection method: clinical testing. Allele origin: germline.
Comment: This sequence change replaces glutamine, which is neutral and polar, with glutamic acid, which is acidic and polar, at codon 325 of the IFT81 protein (p.Gln325Glu). The frequency data for this variant in the population databases is considered unreliable, as metrics indicate poor data quality at this position in the gnomAD database. This variant has not been reported in the literature in individuals affected with IFT81-related conditions. ClinVar contains an entry for this variant (Variation ID: 1493415). Advanced modeling of protein sequence and biophysical properties (such as structural, functional, and spatial information, amino acid conservation, physicochemical variation, residue mobility, and thermodynamic stability) performed at Invitae indicates that this missense variant is not expected to disrupt IFT81 protein function. In summary, the available evidence is currently insufficient to determine the role of this variant in disease. Therefore, it has been classified as a Variant of Uncertain Significance.

NM_014055.4(IFT81):c.973C>G (p.Gln325Glu)

Gene: IFT81 (intraflagellar transport 81; plus strand). Cytogenetic location: 12q24.11.
Variant type: single nucleotide variant.
Coding change: c.973C>G on transcript NM_014055.4 (MANE Select); coding-DNA position 973, C replaced by G.
Protein change: p.Gln325Glu; replaces glutamine 325 with glutamic acid.
Molecular consequence: missense variant. On other transcripts: non-coding transcript variant (4).
Genome position (GRCh38, 1-based): chr12:110,146,980, C>G. VCF-style: chr12-110146980-C-G. GRCh37 (hg19) VCF-style: chr12-110584785-C-G.
Other names: c.973C>G, p.Gln325Glu (NM_001143779.2, NM_001347946.2, NM_031473.4); c.43C>G, p.Gln15Glu (NM_001347947.2, NM_001347948.2); short protein forms Q325E, Q15E.
Identifiers: ClinVar variation 1493415 (VCV001493415.8), dbSNP rs1417559021, ClinGen allele CA386911866.